The following is an entry in ClinVar:

ClinVar aggregate classification (germline): Benign. Review status: reviewed by expert panel (3 of 4 stars). 3 submissions from 3 submitters: Benign (1). 2 of the submissions do not count toward it. Last evaluated 2023-08-10.

Conditions:
CDH1-related diffuse gastric and lobular breast cancer syndrome. Also called: CDH1-related diffuse gastric and lobular breast cancer. Identifiers: MedGen CN311521, MONDO:0100488.
Hereditary diffuse gastric adenocarcinoma (HDGC). Also called: DIFFUSE GASTRIC AND LOBULAR BREAST CANCER SYNDROME. Identifiers: Orphanet 26106, MedGen C1708349, MONDO:0007648, OMIM 137215.

Allele frequency attached by ClinVar (database versions not stated): gnomAD exomes 0.00084; gnomAD 0.00559 and 0.00604; 1000 Genomes Project 0.00639; TOPMed 0.00661; 1000 Genomes Project 30x 0.00703.
gnomAD v4.1: 970 of 300,236 alleles (0.32%); highest among the groups gnomAD compares: African/African-American, 2%; 11 homozygotes.

Submissions (3):

Clingen Gastric Cancer Variant Curation Expert Panel
Classification: Benign for CDH1-related diffuse gastric and lobular breast cancer syndrome. Last evaluated: 2023-08-10. Review status: reviewed by expert panel. Criteria: ClinGen CDH1 ACMG Specifications V3.1. Collection method: curation. Allele origin: germline. Inheritance: Autosomal dominant inheritance.
Comment: The NM_004360.5(CDH1):c.*988G>A variant has an allele frequency of 0.02078 (2%, 181/8712 alleles, 1 homozygote) in the African subpopulation of the gnomAD v2.1.1 cohort (BA1; BP2). Therefore, this variant meets criteria to be classified as benign. ACMG/AMP criteria applied, as specified by the CDH1 Variant Curation Expert Panel (Variant Interpretation Guidelines Version 3.1): BA1, BP2.

Illumina Laboratory Services, Illumina
Classification: Benign for Hereditary diffuse gastric adenocarcinoma. Last evaluated: 2018-01-12. Review status: criteria provided, single submitter. Criteria: ICSL Variant Classification Criteria 13 December 2019. Collection method: clinical testing. Allele origin: germline. Not counted in ClinVar's aggregate classification.
Comment: This variant was observed in the ICSL laboratory as part of a predisposition screen in an ostensibly healthy population. It had not been previously curated by ICSL or reported in the Human Gene Mutation Database (HGMD: prior to June 1st, 2018), and was therefore a candidate for classification through an automated scoring system. Utilizing variant allele frequency, disease prevalence and penetrance estimates, and inheritance mode, an automated score was calculated to assess if this variant is too frequent to cause the disease. Based on the score and internal cut-off values, a variant classified as benign is not then subjected to further curation. The score for this variant resulted in a classification of benign for this disease.

Breakthrough Genomics
Classification: Benign. Review status: criteria provided, single submitter. Criteria: ACMG Guidelines, 2015. Collection method: not provided. Allele origin: germline. Inheritance: Autosomal dominant inheritance. Affected: yes. Not counted in ClinVar's aggregate classification.

NM_004360.5(CDH1):c.*988G>A

Gene: CDH1 (cadherin 1; plus strand). Cytogenetic location: 16q22.1.
Variant type: single nucleotide variant.
Coding change: c.*988G>A on transcript NM_004360.5 (MANE Select); 988 bases downstream of the stop codon, G replaced by A.
Molecular consequence: 3 prime UTR variant.
Genome position (GRCh38, 1-based): chr16:68,834,487, G>A. VCF-style: chr16-68834487-G-A. GRCh37 (hg19) VCF-style: chr16-68868390-G-A.
Other names: c.*988G>A (LRG_301t1, NM_001317184.2, NM_001317185.2 and 1 more transcripts).
Identifiers: ClinVar variation 320288 (VCV000320288.9), dbSNP rs9282653, ClinGen allele CA10638249.